The following is an entry in ClinVar:

ClinVar aggregate classification (germline): Pathogenic/Likely pathogenic. Review status: criteria provided, multiple submitters, no conflicts (2 of 4 stars). 2 submissions from 2 submitters: Pathogenic (1); Likely pathogenic (1). Last evaluated 2024-03-19.

Conditions:
ALG9 congenital disorder of glycosylation (CDG1L). Also called: ALG9-CDG; CDG Il; CONGENITAL DISORDER OF GLYCOSYLATION, TYPE Il. Identifiers: Orphanet 79328, MedGen C2931006, MONDO:0012117, OMIM 608776.
Gillessen-Kaesbach-Nishimura syndrome (GIKANIS). Identifiers: MedGen C1849762, MONDO:0009890, OMIM 263210.

Allele frequency attached by ClinVar (database versions not stated): gnomAD exomes below 0.00001.
gnomAD v4.1: 2 of 1,614,132 alleles (0.00012%); highest among the groups gnomAD compares: Non-Finnish European, 0.00017%; no homozygotes.

Submissions (2):

Fulgent Genetics
Classification: Likely pathogenic for Gillessen-Kaesbach-Nishimura syndrome; ALG9 congenital disorder of glycosylation. Last evaluated: 2024-03-19. Review status: criteria provided, single submitter. Criteria: ACMG Guidelines, 2015. Collection method: clinical testing. Allele origin: germline.

Labcorp Genetics (formerly Invitae), Labcorp
Classification: Pathogenic for ALG9 congenital disorder of glycosylation. Last evaluated: 2022-01-27. Review status: criteria provided, single submitter. Criteria: Invitae Variant Classification Sherloc (09022015). Collection method: clinical testing. Allele origin: germline.
Comment: This sequence change creates a premature translational stop signal (p.Trp248*) in the ALG9 gene. It is expected to result in an absent or disrupted protein product. Loss-of-function variants in ALG9 are known to be pathogenic (PMID: 25966638). This variant is not present in population databases (gnomAD no frequency). This variant has not been reported in the literature in individuals affected with ALG9-related conditions. For these reasons, this variant has been classified as Pathogenic.

Literature cited by the submitters: PubMed 25966638 (cited by Labcorp Genetics (formerly Invitae), Labcorp).

NM_024740.2(ALG9):c.744G>A (p.Trp248Ter)

Gene: ALG9 (ALG9 alpha-1,2-mannosyltransferase; minus strand). Cytogenetic location: 11q23.1.
Variant type: single nucleotide variant.
Coding change: c.744G>A on transcript NM_024740.2 (MANE Select); coding-DNA position 744, G replaced by A.
Protein change: p.Trp248Ter; replaces tryptophan 248 with a stop codon.
Molecular consequence: nonsense. On other transcripts: non-coding transcript variant (1).
Genome position (GRCh38, 1-based): chr11:111,853,694, C>T on the plus strand (G>A on the coding strand, the complement: ALG9 is on the minus strand). VCF-style: chr11-111853694-C-T. GRCh37 (hg19) VCF-style: chr11-111724417-C-T.
Other names: c.231G>A, p.Trp77Ter (NM_001077691.2, NM_001077692.2, NM_001352409.1 and 11 more transcripts); c.744G>A, p.Trp248Ter (NM_001352417.1, NM_001352418.1, NM_001077690.1); c.156G>A, p.Trp52Ter (NM_001352422.2); short protein forms W248*, W77*, W52*.
Identifiers: ClinVar variation 2086914 (VCV002086914.5), dbSNP rs2497298300, ClinGen allele CA382605068.